The following is an entry in ClinVar:

NM_033026.6(PCLO):c.3029C>T (p.Pro1010Leu)

Gene: PCLO (piccolo presynaptic cytomatrix protein; minus strand). Cytogenetic location: 7q21.11.
Variant type: single nucleotide variant.
Coding change: c.3029C>T on transcript NM_033026.6 (MANE Select); coding-DNA position 3029, C replaced by T.
Protein change: p.Pro1010Leu; replaces proline 1010 with leucine.
Molecular consequence: missense variant.
Genome position (GRCh38, 1-based): chr7:83,134,521, G>A on the plus strand (C>T on the coding strand, the complement: PCLO is on the minus strand). VCF-style: chr7-83134521-G-A. GRCh37 (hg19) VCF-style: chr7-82763837-G-A.
Other names: c.3029C>T, p.Pro1010Leu (NM_014510.3); short protein forms P1010L.
Identifiers: ClinVar variation 2133620 (VCV002133620.4), dbSNP rs2484833427, ClinGen allele CA367897930.

ClinVar aggregate classification (germline): Uncertain significance (1 of 4 stars; one submission).

Submission:

Labcorp Genetics (formerly Invitae), Labcorp
Classification: Uncertain significance. Last evaluated: 2022-05-04. Review status: criteria provided, single submitter. Criteria: Invitae Variant Classification Sherloc (09022015). Collection method: clinical testing. Allele origin: germline.
Comment: This variant has not been reported in the literature in individuals affected with PCLO-related conditions. In summary, the available evidence is currently insufficient to determine the role of this variant in disease. Therefore, it has been classified as a Variant of Uncertain Significance. Algorithms developed to predict the effect of missense changes on protein structure and function are either unavailable or do not agree on the potential impact of this missense change (SIFT: "Deleterious"; PolyPhen-2: "Not Available"; Align-GVGD: "Class C0"). This variant is not present in population databases (gnomAD no frequency). This sequence change replaces proline, which is neutral and non-polar, with leucine, which is neutral and non-polar, at codon 1010 of the PCLO protein (p.Pro1010Leu).